The following is an entry in ClinVar:

NM_000179.3(MSH6):c.1297T>C (p.Tyr433His)

Gene: MSH6 (mutS homolog 6; plus strand). Cytogenetic location: 2p16.3.
Variant type: single nucleotide variant.
Coding change: c.1297T>C on transcript NM_000179.3 (MANE Select); coding-DNA position 1297, T replaced by C.
Protein change: p.Tyr433His; replaces tyrosine 433 with histidine.
Molecular consequence: missense variant.
Genome position (GRCh38, 1-based): chr2:47,799,280, T>C. VCF-style: chr2-47799280-T-C. GRCh37 (hg19) VCF-style: chr2-48026419-T-C.
Other names: c.1297T>C, p.Tyr433His (NM_001406798.1, NM_001406800.1, NM_001406803.1 and 4 more transcripts); c.772T>C, p.Tyr258His (NM_001406799.1, NM_001406806.1, NM_001406807.1); c.1000T>C, p.Tyr334His (NM_001406801.1, NM_001406805.1, NM_001406818.1 and 10 more transcripts); c.1393T>C, p.Tyr465His (NM_001406802.1, NM_001406795.1); c.1219T>C, p.Tyr407His (NM_001406804.1); c.391T>C, p.Tyr131His (NM_001406823.1, NM_001406829.1, NM_001281493.2 and 6 more transcripts); c.1129T>C, p.Tyr377His (NM_001406826.1); c.907T>C, p.Tyr303His (NM_001281492.2); and 1 more; short protein forms Y258H, Y334H, Y377H, Y435H, Y465H, Y303H, Y433H, Y131H.
Identifiers: ClinVar variation 1769252 (VCV001769252.3), dbSNP rs2104334418, ClinGen allele CA346744249.

ClinVar aggregate classification (germline): Uncertain significance (1 of 4 stars; one submission).

Conditions:
Hereditary cancer-predisposing syndrome. Also called: Hereditary Cancer Syndrome; Hereditary neoplastic syndrome; Neoplastic Syndromes, Hereditary; Tumor predisposition. Identifiers: Orphanet 140162, MedGen C0027672, MeSH D009386, MONDO:0015356.

Submission:

Ambry Genetics
Classification: Uncertain significance for Hereditary cancer-predisposing syndrome. Last evaluated: 2026-08-11. Review status: criteria provided, single submitter. Criteria: Ambry Variant Classification Scheme 2023. Collection method: clinical testing. Allele origin: germline.
Comment: The p.Y433H variant (also known as c.1297T>C), located in coding exon 4 of the MSH6 gene, results from a T to C substitution at nucleotide position 1297. The tyrosine at codon 433 is replaced by histidine, an amino acid with similar properties. This amino acid position is highly conserved in available vertebrate species. In addition, this alteration is predicted to be deleterious by in silico analysis. Based on the available evidence, the clinical significance of this variant remains unclear.